The following is an entry in ClinVar:

ClinVar aggregate classification (germline): Pathogenic/Likely pathogenic. Review status: criteria provided, multiple submitters, no conflicts (2 of 4 stars). 5 submissions from 5 submitters: Pathogenic (2); Likely pathogenic (2). 1 of the submissions does not count toward it. Last evaluated 2025-10-03.

Conditions:
CDH23-related disorder. Also called: CDH23-related disorders; CDH23-related condition.
Usher syndrome type 1 (USH1). Also called: RETINITIS PIGMENTOSA AND CONGENITAL DEAFNESS. Identifiers: Orphanet 231169, Orphanet 886, MedGen C1568247, MONDO:0010168, OMIM 276900.
Autosomal recessive nonsyndromic hearing loss 12. Also called: DEAFNESS, AUTOSOMAL RECESSIVE 12. Identifiers: Orphanet 90636, MedGen C1832394, MONDO:0011067, OMIM 601386.

Allele frequency attached by ClinVar (database versions not stated): gnomAD exomes 0.00001 and 0.00002; TOPMed 0.00001; ExAC 0.00002; gnomAD 0.00002.
gnomAD v4.1: 22 of 1,613,866 alleles (0.0014%); highest among the groups gnomAD compares: African/African-American, 0.004%; no homozygotes.

Submissions (5):

Natera, Inc.
Classification: Likely pathogenic for Usher syndrome type 1. Last evaluated: 2025-10-03. Review status: criteria provided, single submitter. Criteria: Natera Variant Classification Schema (03/2026). Collection method: clinical testing. Allele origin: germline.
Comment: The c.1037C>T variant in CDH23 is a missense variant predicted to cause substitution of proline to leucine at amino acid 346. This variant is rare in the general population with a frequency below the threshold expected for the associated phenotype(s). This variant has been observed to segregate in affected family members (PMID: 19888295). A different variant at the same position has been determined to be Pathogenic or Likely Pathogenic. Computational prediction algorithms indicate this variant is likely to affect gene or protein function. Given the available evidence, this variant is classified as Likely Pathogenic.

Labcorp Genetics (formerly Invitae), Labcorp
Classification: Pathogenic. Last evaluated: 2025-02-24. Review status: criteria provided, single submitter. Criteria: Invitae Variant Classification Sherloc (09022015). Collection method: clinical testing. Allele origin: germline.
Comment: This sequence change replaces proline, which is neutral and non-polar, with leucine, which is neutral and non-polar, at codon 346 of the CDH23 protein (p.Pro346Leu). This variant is present in population databases (rs778251205, gnomAD 0.008%). This missense change has been observed in individual(s) with hearing loss (PMID: 19888295). It has also been observed to segregate with disease in related individuals. ClinVar contains an entry for this variant (Variation ID: 402251). Invitae Evidence Modeling of protein sequence and biophysical properties (such as structural, functional, and spatial information, amino acid conservation, physicochemical variation, residue mobility, and thermodynamic stability) has been performed for this missense variant. However, the output from this modeling did not meet the statistical confidence thresholds required to predict the impact of this variant on CDH23 protein function. This variant disrupts the p.Arg346 amino acid residue in CDH23. Other variant(s) that disrupt this residue have been determined to be pathogenic (PMID: 19888295). This suggests that this residue is clinically significant, and that variants that disrupt this residue are likely to be disease-causing. For these reasons, this variant has been classified as Pathogenic.

Blueprint Genetics
Classification: Pathogenic for CDH23-related disorders. Last evaluated: 2024-08-08. Review status: criteria provided, single submitter. Criteria: ACMG Guidelines, 2015. Collection method: clinical testing. Allele origin: germline. Affected: yes. Observed: 3 variant alleles.

King Laboratory, University of Washington
Classification: Likely pathogenic for Autosomal recessive nonsyndromic hearing loss 12. Last evaluated: 2020-08-01. Review status: criteria provided, single submitter. Criteria: Abu Rayyan A et al. (Proc Natl Acad Sci U S A 2020). Collection method: research. Allele origin: germline. Affected: yes.
Comment: CDH23 c.1037C>T, p.P346L alters a highly conserved residue of CDH23. The variant is homozygous in 3 Palestinian children with pre-lingual moderate hearing loss (Abu Rayyan 2020). The variant is absent from 1300 Palestinian controls and present in 5/280726 alleles on gnomAD, all heterozygotes.

Hereditary Research Laboratory, Bethlehem University
Classification: Pathogenic for Autosomal recessive nonsyndromic hearing loss 12. Last evaluated: 2016-06-04. Review status: no assertion criteria provided. Collection method: research. Allele origin: germline. Affected: yes. Not counted in ClinVar's aggregate classification.

Literature cited by the submitters: PubMed 19888295 (cited by Natera, Inc. and Labcorp Genetics (formerly Invitae), Labcorp).

NM_022124.6(CDH23):c.1037C>T (p.Pro346Leu)

Gene: CDH23 (cadherin related 23; plus strand). Cytogenetic location: 10q22.1.
Variant type: single nucleotide variant.
Coding change: c.1037C>T on transcript NM_022124.6 (MANE Select); coding-DNA position 1037, C replaced by T.
Protein change: p.Pro346Leu; replaces proline 346 with leucine.
Molecular consequence: missense variant.
Genome position (GRCh38, 1-based): chr10:71,617,296, C>T. VCF-style: chr10-71617296-C-T. GRCh37 (hg19) VCF-style: chr10-73377053-C-T.
Other names: c.1037C>T, p.Pro346Leu (NM_001171930.2, NM_001171931.2, NM_001171932.2 and 1 more transcripts); short protein forms P346L.
Identifiers: ClinVar variation 402251 (VCV000402251.12), dbSNP rs778251205, ClinGen allele CA5543626.